The following is an entry in ClinVar:

ClinVar aggregate classification (germline): Likely pathogenic (1 of 4 stars; one submission).

Conditions:
Ataxia-telangiectasia syndrome (AT). Also called: Ataxia-telangiectasia, complementation group D; LOUIS-BAR SYNDROME; ATAXIA-TELANGIECTASIA, COMPLEMENTATION GROUP A; ATAXIA-TELANGIECTASIA, FRESNO VARIANT; Ataxia telangiectasia (A-T); Cerebello-oculocutaneous telangiectasia. Identifiers: Orphanet 100, MedGen C0004135, MONDO:0008840, OMIM 208900.

Submission:

Labcorp Genetics (formerly Invitae), Labcorp
Classification: Likely pathogenic for Ataxia-telangiectasia syndrome. Last evaluated: 2024-05-06. Review status: criteria provided, single submitter. Criteria: Invitae Variant Classification Sherloc (09022015). Collection method: clinical testing. Allele origin: germline.
Comment: This variant results in the deletion of part of exon 5 (c.332-3_347del) of the ATM gene. It is expected to disrupt RNA splicing. Variants that disrupt the donor or acceptor splice site typically lead to a loss of protein function (PMID: 16199547), and loss-of-function variants in ATM are known to be pathogenic (PMID: 23807571, 25614872). This variant is not present in population databases (gnomAD no frequency). This variant has not been reported in the literature in individuals affected with ATM-related conditions. In summary, the currently available evidence indicates that the variant is pathogenic, but additional data are needed to prove that conclusively. Therefore, this variant has been classified as Likely Pathogenic.

Literature cited by the submitters: PubMed 16199547; PubMed 23807571; PubMed 25614872.

NM_000051.4(ATM):c.332-3_347del

Gene: ATM (ATM serine/threonine kinase; plus strand). Cytogenetic location: 11q22.3.
Variant type: Deletion.
Coding change: c.332-3_347del on transcript NM_000051.4 (MANE Select); 3 bases into the intron before coding-DNA position 332 through coding-DNA position 347, 19 bases deleted (TAGGAGCACCTAGGCTAAA).
Molecular consequence: splice acceptor variant.
Genome position (GRCh38, 1-based): chr11:108,235,667-108,235,685, TAGGAGCACCTAGGCTAAA deleted; deleting any 19 consecutive bases within chr11:108,235,664-108,235,685 gives the same sequence; the c. name uses the placement nearest the transcript's 3' end. VCF-style (leftmost placement, unchanged base first): chr11-108235663-GAAATAGGAGCACCTAGGCT-G. GRCh37 (hg19) VCF-style: chr11-108106390-GAAATAGGAGCACCTAGGCT-G.
Other names: c.332-3_347del (NM_001351834.2).
Identifiers: ClinVar variation 2767856 (VCV002767856.3), dbSNP rs2497015698, ClinGen allele CA2697548984.